The following is an entry in ClinVar:

NM_015166.4(MLC1):c.64C>T (p.Arg22Trp)

Gene: MLC1 (modulator of VRAC current 1; minus strand). Cytogenetic location: 22q13.33.
Variant type: single nucleotide variant.
Coding change: c.64C>T on transcript NM_015166.4 (MANE Select); coding-DNA position 64, C replaced by T.
Protein change: p.Arg22Trp; replaces arginine 22 with tryptophan.
Molecular consequence: missense variant. On other transcripts: non-coding transcript variant (3), intron variant (1).
Genome position (GRCh38, 1-based): chr22:50,084,839, G>A on the plus strand (C>T on the coding strand, the complement: MLC1 is on the minus strand). VCF-style: chr22-50084839-G-A. GRCh37 (hg19) VCF-style: chr22-50523268-G-A.
Other names: c.64C>T, p.Arg22Trp (NM_001376472.1, NM_001376473.1, NM_001376474.1 and 10 more transcripts); c.-59+516C>T (NM_001376484.1); short protein forms R22W.
Identifiers: ClinVar variation 444591 (VCV000444591.45), dbSNP rs202135704, ClinGen allele CA10303691.

ClinVar aggregate classification (germline): Uncertain significance. Review status: criteria provided, multiple submitters, no conflicts (2 of 4 stars). 3 submissions from 3 submitters: Uncertain significance (3). Last evaluated 2025-07-01.

Allele frequency attached by ClinVar (database versions not stated): gnomAD exomes 0.00008 and 0.00013; TOPMed 0.00009; ExAC 0.00010; gnomAD 0.00011 and 0.00013; ESP Exome Variant Server 0.00015.
gnomAD v4.1: 201 of 1,613,528 alleles (0.012%); highest among the groups gnomAD compares: Non-Finnish European, 0.016%; no homozygotes.

Submissions (3):

CeGaT Center for Human Genetics Tuebingen
Classification: Uncertain significance. Last evaluated: 2025-07-01. Review status: criteria provided, single submitter. Criteria: CeGaT Center For Human Genetics Tuebingen Variant Classification Criteria Version 2. Collection method: clinical testing. Allele origin: germline. Affected: yes. Observed: 2 variant alleles.
Comment: MLC1: PM2, PM5

Blueprint Genetics
Classification: Uncertain significance. Last evaluated: 2024-09-03. Review status: criteria provided, single submitter. Criteria: ACMG Guidelines, 2015. Collection method: clinical testing. Allele origin: germline.

Labcorp Genetics (formerly Invitae), Labcorp
Classification: Uncertain significance. Last evaluated: 2022-07-18. Review status: criteria provided, single submitter. Criteria: Invitae Variant Classification Sherloc (09022015). Collection method: clinical testing. Allele origin: germline.
Comment: This sequence change replaces arginine, which is basic and polar, with tryptophan, which is neutral and slightly polar, at codon 22 of the MLC1 protein (p.Arg22Trp). This variant is present in population databases (rs202135704, gnomAD 0.02%). This variant has not been reported in the literature in individuals affected with MLC1-related conditions. ClinVar contains an entry for this variant (Variation ID: 444591). Algorithms developed to predict the effect of missense changes on protein structure and function (SIFT, PolyPhen-2, Align-GVGD) all suggest that this variant is likely to be disruptive. In summary, the available evidence is currently insufficient to determine the role of this variant in disease. Therefore, it has been classified as a Variant of Uncertain Significance.